The following is an entry in ClinVar:

NM_003482.4(KMT2D):c.7601T>C (p.Met2534Thr)

Gene: KMT2D (lysine methyltransferase 2D; minus strand). Cytogenetic location: 12q13.12.
Variant type: single nucleotide variant.
Coding change: c.7601T>C on transcript NM_003482.4 (MANE Select); coding-DNA position 7601, T replaced by C.
Protein change: p.Met2534Thr; replaces methionine 2534 with threonine.
Molecular consequence: missense variant.
Genome position (GRCh38, 1-based): chr12:49,040,169, A>G on the plus strand (T>C on the coding strand, the complement: KMT2D is on the minus strand). VCF-style: chr12-49040169-A-G. GRCh37 (hg19) VCF-style: chr12-49433952-A-G.
Other names: short protein forms M2534T.
Identifiers: ClinVar variation 2630534 (VCV002630534.1), dbSNP rs1943437497, ClinGen allele CA384747385.
Genomic context (GRCh38, chr12:49,040,169, plus strand): 5'-GGCTGAGGGACAGGGGGCTTTAGGGAAGGCTCCCCTACTGCCTGAGGGAAAGTGAAACGC[A>G]TGGGAGAGGGGGTGCCCACAAATGCACCCGTCCCAGGGGACCGGACAAAATTGGGGGGCT-3'
Protein context (NP_003473.3, residues 2524-2544): TGAFVGTPSP[Met2534Thr]RFTFPQAVGE

ClinVar aggregate classification (germline): Uncertain significance (1 of 4 stars; one submission).

Conditions:
KMT2D-related disorder. Also called: KMT2D-Related Disorders.

Allele frequency attached by ClinVar (database versions not stated): gnomAD exomes below 0.00001; TOPMed below 0.00001.
gnomAD v4.1: 3 of 1,613,764 alleles (0.00019%); highest among the groups gnomAD compares: East Asian, 0.0067%; no homozygotes.

Submission:

PreventionGenetics, part of Exact Sciences
Classification: Uncertain significance for KMT2D-related condition. Last evaluated: 2023-01-22. Review status: criteria provided, single submitter. Criteria: ACMG Guidelines, 2015. Collection method: clinical testing. Allele origin: germline.
Comment: The KMT2D c.7601T>C variant is predicted to result in the amino acid substitution p.Met2534Thr. To our knowledge, this variant has not been reported in the literature or in a large population database, indicating this variant is rare. At this time, the clinical significance of this variant is uncertain due to the absence of conclusive functional and genetic evidence.